The following is an entry in ClinVar:

ClinVar aggregate classification (germline): Uncertain significance. Review status: criteria provided, multiple submitters, no conflicts (2 of 4 stars). 2 submissions from 2 submitters: Uncertain significance (2). Last evaluated 2026-05-05.

Conditions:
Hereditary cancer-predisposing syndrome. Also called: Neoplastic Syndromes, Hereditary; Tumor predisposition; Hereditary Cancer Syndrome; Hereditary neoplastic syndrome. Identifiers: Orphanet 140162, MedGen C0027672, MeSH D009386, MONDO:0015356.

Submissions (2):

Ambry Genetics
Classification: Uncertain significance for Hereditary cancer-predisposing syndrome. Last evaluated: 2026-05-05. Review status: criteria provided, single submitter. Criteria: Ambry Variant Classification Scheme 2023. Collection method: clinical testing. Allele origin: germline.
Comment: The p.T993I variant (also known as c.2978C>T), located in coding exon 21 of the MSH3 gene, results from a C to T substitution at nucleotide position 2978. The threonine at codon 993 is replaced by isoleucine, an amino acid with similar properties. This amino acid position is highly conserved in available vertebrate species. In addition, this alteration is predicted to be deleterious by in silico analysis. Based on the available evidence, the clinical significance of this variant remains unclear.

Labcorp Genetics (formerly Invitae), Labcorp
Classification: Uncertain significance. Last evaluated: 2025-11-17. Review status: criteria provided, single submitter. Criteria: Invitae Variant Classification Sherloc (09022015). Collection method: clinical testing. Allele origin: germline.
Comment: This sequence change replaces threonine, which is neutral and polar, with isoleucine, which is neutral and non-polar, at codon 993 of the MSH3 protein (p.Thr993Ile). This variant is not present in population databases (gnomAD no frequency). This variant has not been reported in the literature in individuals affected with MSH3-related conditions. An algorithm developed to predict the effect of missense changes on protein structure and function (PolyPhen-2) suggests that this variant is likely to be disruptive. In summary, the available evidence is currently insufficient to determine the role of this variant in disease. Therefore, it has been classified as a Variant of Uncertain Significance.

NM_002439.5(MSH3):c.2978C>T (p.Thr993Ile)

Gene: MSH3 (mutS homolog 3; plus strand). Cytogenetic location: 5q14.1.
Variant type: single nucleotide variant.
Coding change: c.2978C>T on transcript NM_002439.5 (MANE Select); coding-DNA position 2978, C replaced by T.
Protein change: p.Thr993Ile; replaces threonine 993 with isoleucine.
Molecular consequence: missense variant.
Genome position (GRCh38, 1-based): chr5:80,854,294, C>T. VCF-style: chr5-80854294-C-T. GRCh37 (hg19) VCF-style: chr5-80150113-C-T.
Other names: c.2978C>T (NM_002439.3); short protein forms T993I.
Identifiers: ClinVar variation 4731337 (VCV004731337.2).
Genomic context (GRCh38, chr5:80,854,294, plus strand): 5'-TCTTGGATGAACTAGGAAGAGGGACGAGCACTCATGATGGAATTGCCATTGCCTATGCTA[C>T]ACTTGAGTATTTCATCAGAGATGTAAGTATCCGGTAAACTGTATTTAAAAAGAAATTAAT-3'
Protein context (NP_002430.3, residues 983-1003): THDGIAIAYA[Thr993Ile]LEYFIRDVKS